The following is an entry in ClinVar:

ClinVar aggregate classification (germline): Uncertain significance. Review status: criteria provided, multiple submitters, no conflicts (2 of 4 stars). 5 submissions from 4 submitters: Uncertain significance (5). Last evaluated 2023-12-31.

Conditions:
Seckel syndrome 1 (SCKL1). Also called: MICROCEPHALIC PRIMORDIAL DWARFISM I. Identifiers: Orphanet 808, MedGen C4551474, MONDO:0008869, OMIM 210600.
Inborn genetic diseases. Identifiers: MedGen C0950123, MeSH D030342.
Familial cutaneous telangiectasia and oropharyngeal predisposition cancer syndrome. Identifiers: Orphanet 313846, MedGen C3281203, MONDO:0013806, OMIM 614564.

Allele frequency attached by ClinVar (database versions not stated): ExAC 0.00001; gnomAD 0.00001; gnomAD exomes 0.00001.
gnomAD v4.1: 9 of 1,613,710 alleles (0.00056%); highest among the groups gnomAD compares: South Asian, 0.0088%; no homozygotes.

Submissions (5):

Ambry Genetics
Classification: Uncertain significance for Inborn genetic diseases. Last evaluated: 2023-12-31. Review status: criteria provided, single submitter. Criteria: Ambry Variant Classification Scheme 2023. Collection method: clinical testing. Allele origin: germline.
Comment: The p.H894R variant (also known as c.2681A>G), located in coding exon 13 of the ATR gene, results from an A to G substitution at nucleotide position 2681. The histidine at codon 894 is replaced by arginine, an amino acid with highly similar properties. This amino acid position is conserved. In addition, this alteration is predicted to be deleterious by in silico analysis. Since supporting evidence is limited at this time, the clinical significance of this alteration remains unclear.

Genome-Nilou Lab
Classification: Uncertain significance for Seckel syndrome 1. Last evaluated: 2023-02-08. Review status: criteria provided, single submitter. Criteria: ACMG Guidelines, 2015. Collection method: clinical testing. Allele origin: germline.

Genome-Nilou Lab
Classification: Uncertain significance for Familial cutaneous telangiectasia and oropharyngeal predisposition cancer syndrome. Last evaluated: 2023-02-08. Review status: criteria provided, single submitter. Criteria: ACMG Guidelines, 2015. Collection method: clinical testing. Allele origin: germline.

Labcorp Genetics (formerly Invitae), Labcorp
Classification: Uncertain significance. Last evaluated: 2022-12-14. Review status: criteria provided, single submitter. Criteria: Invitae Variant Classification Sherloc (09022015). Collection method: clinical testing. Allele origin: germline.
Comment: This sequence change replaces histidine, which is basic and polar, with arginine, which is basic and polar, at codon 894 of the ATR protein (p.His894Arg). In summary, the available evidence is currently insufficient to determine the role of this variant in disease. Therefore, it has been classified as a Variant of Uncertain Significance. Algorithms developed to predict the effect of missense changes on protein structure and function are either unavailable or do not agree on the potential impact of this missense change (SIFT: "Tolerated"; PolyPhen-2: "Probably Damaging"; Align-GVGD: "Class C0"). ClinVar contains an entry for this variant (Variation ID: 1441908). This variant has not been reported in the literature in individuals affected with ATR-related conditions. This variant is present in population databases (rs774278641, gnomAD 0.006%).

Revvity Omics, Revvity
Classification: Uncertain significance. Last evaluated: 2022-03-21. Review status: criteria provided, single submitter. Criteria: ACMG Guidelines, 2015. Collection method: clinical testing. Allele origin: germline.

NM_001184.4(ATR):c.2681A>G (p.His894Arg)

Gene: ATR (ATR checkpoint kinase; minus strand). Cytogenetic location: 3q23.
Variant type: single nucleotide variant.
Coding change: c.2681A>G on transcript NM_001184.4 (MANE Select); coding-DNA position 2681, A replaced by G.
Protein change: p.His894Arg; replaces histidine 894 with arginine.
Molecular consequence: missense variant.
Genome position (GRCh38, 1-based): chr3:142,553,351, T>C on the plus strand (A>G on the coding strand, the complement: ATR is on the minus strand). VCF-style: chr3-142553351-T-C. GRCh37 (hg19) VCF-style: chr3-142272193-T-C.
Other names: c.2489A>G, p.His830Arg (NM_001354579.2); short protein forms H830R, H894R.
Identifiers: ClinVar variation 1441908 (VCV001441908.11), dbSNP rs774278641, ClinGen allele CA2650291.